The following is an entry in ClinVar:

ClinVar aggregate classification (germline): Uncertain significance (1 of 4 stars; one submission).

Conditions:
O'Donnell-Luria-Rodan syndrome (ODLURO). Also called: KMT2E-Related Neurodevelopmental Disorder. Identifiers: MedGen C5193138, MONDO:0032793, OMIM 618512.

Submission:

Clinical Genomics Laboratory, Washington University in St. Louis
Classification: Uncertain significance for O'Donnell-Luria-Rodan syndrome. Last evaluated: 2024-01-31. Review status: criteria provided, single submitter. Criteria: ACMG Guidelines, 2015. Collection method: clinical testing. Allele origin: germline.
Comment: The KMT2E c.2623_2625del (p.Arg875del) variant, to our knowledge, has not been reported in the medical literature and is absent from the general population (gnomAD v.2.1.1), indicating it is not a common variant. This variant is predicted to cause a change in the length of the protein due to an in-frame deletion of a single arginine in a non-repeat region. Due to limited information, and based on ACMG/AMP guidelines for variant interpretation (Richards S et al., PMID: 25741868), the clinical significance of this variant is uncertain at this time.

NM_182931.3(KMT2E):c.2623_2625del (p.Arg875del)

Gene: KMT2E (lysine methyltransferase 2E (inactive); plus strand). Cytogenetic location: 7q22.3.
Variant type: Deletion.
Coding change: c.2623_2625del on transcript NM_182931.3 (MANE Select); coding-DNA positions 2623 to 2625, 3 bases deleted (AGA; older notation c.2623_2625delAGA).
Protein change: p.Arg875del; deletes arginine 875.
Genome position (GRCh38, 1-based): chr7:105,106,548-105,106,550, AGA deleted; deleting any 3 consecutive bases within chr7:105,106,546-105,106,550 gives the same sequence; the c. name uses the placement nearest the transcript's 3' end. VCF-style (leftmost placement, unchanged base first): chr7-105106545-CGAA-C. GRCh37 (hg19) VCF-style: chr7-104746992-CGAA-C.
Other names: c.2623_2625del, p.Arg875del (NM_001410908.1, NM_018682.4); short protein forms R875del.
Identifiers: ClinVar variation 3602588 (VCV003602588.1).